The following is an entry in ClinVar:

NM_145290.4(ADGRA3):c.89GCG[2] (p.Gly32_Gly35del)

Gene: ADGRA3 (adhesion G protein-coupled receptor A3; minus strand). Cytogenetic location: 4p15.2.
Variant type: Microsatellite.
Coding change: c.89GCG[2] on transcript NM_145290.4 (MANE Select); two copies in a row of the 3-base unit GCG starting at c.89; the reference has six copies in a row; four copies, 12 bases deleted.
Protein change: p.Gly32_Gly35del.
Molecular consequence: inframe deletion.
Genome position (GRCh38, 1-based): chr4:22,515,679-22,515,690, CGCCGCCGCCGC deleted on the plus strand (GCGGCGGCGGCG on the coding strand, the reverse complement: ADGRA3 is on the minus strand); deleting any 12 consecutive bases within chr4:22,515,679-22,515,697 gives the same sequence; the position shown is the placement nearest the transcript's 3' end. VCF-style (leftmost placement, unchanged base first): chr4-22515678-GCGCCGCCGCCGC-G. GRCh37 (hg19) VCF-style: chr4-22517301-GCGCCGCCGCCGC-G.
Identifiers: ClinVar variation 1407224 (VCV001407224.6), dbSNP rs769005255, ClinGen allele CA1060124693.

ClinVar aggregate classification (germline): Uncertain significance (1 of 4 stars; one submission).

Submission:

Labcorp Genetics (formerly Invitae), Labcorp
Classification: Uncertain significance. Last evaluated: 2022-10-13. Review status: criteria provided, single submitter. Criteria: Invitae Variant Classification Sherloc (09022015). Collection method: clinical testing. Allele origin: germline.
Comment: In summary, the available evidence is currently insufficient to determine the role of this variant in disease. Therefore, it has been classified as a Variant of Uncertain Significance. Experimental studies and prediction algorithms are not available or were not evaluated, and the functional significance of this variant is currently unknown. This variant has not been reported in the literature in individuals affected with ADGRA3-related conditions. The frequency data for this variant in the population databases is considered unreliable, as metrics indicate insufficient coverage at this position in the gnomAD database. This variant, c.95_106del, results in the deletion of 4 amino acid(s) of the ADGRA3 protein (p.Gly32_Gly35del), but otherwise preserves the integrity of the reading frame.